The following is an entry in ClinVar:

ClinVar aggregate classification (germline): Likely pathogenic (1 of 4 stars; one submission).

Conditions:
Intellectual developmental disorder, autosomal dominant 30, with speech delay and behavioral abnormalities. Also called: Intellectual disability, autosomal dominant 30. Identifiers: Orphanet 436151, MedGen C4015167, MONDO:0014486, OMIM 616083.

Submission:

Institute of Human Genetics, Heidelberg University
Classification: Likely pathogenic for Intellectual developmental disorder, autosomal dominant 30, with speech delay and behavioral abnormalities. Last evaluated: 2025-11-13. Review status: criteria provided, single submitter. Criteria: ACMG Guidelines, 2015. Collection method: clinical testing. Allele origin: de novo. Affected: yes. Observed: 1 variant allele.
Comment: PP3_s, PS2_supp, PM2_supp, PM5_supp

NM_001370100.5(ZMYND11):c.1720T>G (p.Cys574Gly)

Gene: ZMYND11 (zinc finger MYND-type containing 11; plus strand). Cytogenetic location: 10p15.3.
Variant type: single nucleotide variant.
Coding change: c.1720T>G on transcript NM_001370100.5 (MANE Select); coding-DNA position 1720, T replaced by G.
Protein change: p.Cys574Gly; replaces cysteine 574 with glycine.
Molecular consequence: missense variant. On other transcripts: non-coding transcript variant (1).
Genome position (GRCh38, 1-based): chr10:252,381, T>G. VCF-style: chr10-252381-T-G. GRCh37 (hg19) VCF-style: chr10-298321-T-G.
Other names: c.1717T>G, p.Cys573Gly (NM_001370115.2); c.1654T>G, p.Cys552Gly (NM_001370116.2); c.1651T>G, p.Cys551Gly (NM_001370117.2); c.1600T>G, p.Cys534Gly (NM_001370118.2); c.1573T>G, p.Cys525Gly (NM_001370119.2); c.1492T>G, p.Cys498Gly (NM_001370120.2); c.1438T>G, p.Cys480Gly (NM_001370121.2); c.1414T>G, p.Cys472Gly (NM_001370122.2); and 8 more; short protein forms C417G, C455G, C472G, C480G, C489G, C498G, C519G, C520G.
Identifiers: ClinVar variation 4684980 (VCV004684980.1).
Genomic context (GRCh38, chr10:252,381, plus strand): 5'-AAGACTGCCCCGATTTCTTACCTGCAGTGCTACAACTGTGAGGAGGAGGCCATGTACCAC[T>G]GCTGCTGGAACACATCCTACTGCTCCATCAAGTGCCAGCAGGAGCACTGGCACGCGGAGC-3'
Protein context (NP_001357029.1, residues 564-584): YNCEEEAMYH[Cys574Gly]CWNTSYCSIK